The following is an entry in ClinVar:

NM_152618.3(BBS12):c.776C>T (p.Thr259Ile)

Gene: BBS12 (Bardet-Biedl syndrome 12; plus strand). Cytogenetic location: 4q27.
Variant type: single nucleotide variant.
Coding change: c.776C>T on transcript NM_152618.3 (MANE Select); coding-DNA position 776, C replaced by T.
Protein change: p.Thr259Ile; replaces threonine 259 with isoleucine.
Molecular consequence: missense variant.
Genome position (GRCh38, 1-based): chr4:122,742,668, C>T. VCF-style: chr4-122742668-C-T. GRCh37 (hg19) VCF-style: chr4-123663823-C-T.
Other names: c.776C>T, p.Thr259Ile (NM_001178007.2); short protein forms T259I.
Identifiers: ClinVar variation 4984413 (VCV004984413.1).
Genomic context (GRCh38, chr4:122,742,668, plus strand): 5'-GGACAGATAATACTGAAGGGGTAAGCAAACCAGATGGATTTCAAGAACATGTTACAGCTA[C>T]TCACAAAACTTACAGATGTAATGATTTGGTAGAGTTGGCAGTAGGCTTGAGTCATGGAGA-3'
Protein context (NP_689831.2, residues 249-269): PDGFQEHVTA[Thr259Ile]HKTYRCNDLV

ClinVar aggregate classification (germline): Uncertain significance (1 of 4 stars; one submission).

Conditions:
BBS12-related disorder. Also called: BBS12-related condition.

gnomAD v4.1: 2 of 1,614,252 alleles (0.00012%); highest among the groups gnomAD compares: Admixed American, 0.0033%; no homozygotes.

Submission:

PreventionGenetics, part of Exact Sciences
Classification: Uncertain significance for BBS12-related condition. Last evaluated: 2026-09-02. Review status: criteria provided, single submitter. Criteria: ACMG Guidelines, 2015. Collection method: clinical testing. Allele origin: germline.
Comment: The BBS12 c.776C>T variant is predicted to result in the amino acid substitution p.Thr259Ile. To our knowledge, this variant has not been reported in the literature. This variant is reported in 0.0029% of alleles in individuals of Latino descent in gnomAD. At this time, the clinical significance of this variant is uncertain due to the absence of conclusive functional and genetic evidence.